The following is an entry in ClinVar:

NM_000553.6(WRN):c.3856A>G (p.Thr1286Ala)

Gene: WRN (WRN RecQ like helicase; plus strand). Cytogenetic location: 8p12.
Variant type: single nucleotide variant.
Coding change: c.3856A>G on transcript NM_000553.6 (MANE Select); coding-DNA position 3856, A replaced by G.
Protein change: p.Thr1286Ala; replaces threonine 1286 with alanine.
Molecular consequence: missense variant.
Genome position (GRCh38, 1-based): chr8:31,157,404, A>G. VCF-style: chr8-31157404-A-G. GRCh37 (hg19) VCF-style: chr8-31014920-A-G.
Other names: short protein forms T1286A.
Identifiers: ClinVar variation 1357672 (VCV001357672.6), dbSNP rs2130480368, ClinGen allele CA370929350.

ClinVar aggregate classification (germline): Uncertain significance (1 of 4 stars; one submission).

Conditions:
Werner syndrome (WRN). Identifiers: Orphanet 902, MedGen C0043119, MONDO:0010196, OMIM 277700.

Allele frequency attached by ClinVar (database versions not stated): gnomAD exomes below 0.00001.
gnomAD v4.1: 1 of 1,614,032 alleles (0.000062%); highest among the groups gnomAD compares: Non-Finnish European, 0.000085%; no homozygotes.

Submission:

Labcorp Genetics (formerly Invitae), Labcorp
Classification: Uncertain significance for Werner syndrome. Last evaluated: 2022-12-08. Review status: criteria provided, single submitter. Criteria: Invitae Variant Classification Sherloc (09022015). Collection method: clinical testing. Allele origin: germline.
Comment: This sequence change replaces threonine, which is neutral and polar, with alanine, which is neutral and non-polar, at codon 1286 of the WRN protein (p.Thr1286Ala). In summary, the available evidence is currently insufficient to determine the role of this variant in disease. Therefore, it has been classified as a Variant of Uncertain Significance. Algorithms developed to predict the effect of missense changes on protein structure and function output the following: SIFT: "Not Available"; PolyPhen-2: "Benign"; Align-GVGD: "Not Available". The alanine amino acid residue is found in multiple mammalian species, which suggests that this missense change does not adversely affect protein function. ClinVar contains an entry for this variant (Variation ID: 1357672). This variant has not been reported in the literature in individuals affected with WRN-related conditions. This variant is not present in population databases (gnomAD no frequency).